The following is an entry in ClinVar:

ClinVar aggregate classification (germline): Uncertain significance (1 of 4 stars; one submission).

Conditions:
Catecholaminergic polymorphic ventricular tachycardia 1. Also called: RYR2-Related Catecholaminergic Polymorphic Ventricular Tachycardia; VENTRICULAR TACHYCARDIA, CATECHOLAMINERGIC POLYMORPHIC, 1, WITH OR WITHOUT ATRIAL DYSFUNCTION AND/OR DILATED CARDIOMYOPATHY; VENTRICULAR TACHYCARDIA, STRESS-INDUCED POLYMORPHIC 1. Identifiers: Orphanet 3286, MedGen C1631597, MONDO:0011484, OMIM 604772.

Submission:

Labcorp Genetics (formerly Invitae), Labcorp
Classification: Uncertain significance for Catecholaminergic polymorphic ventricular tachycardia 1. Last evaluated: 2019-06-29. Review status: criteria provided, single submitter. Criteria: Invitae Variant Classification Sherloc (09022015). Collection method: clinical testing. Allele origin: germline.
Comment: This sequence change creates a premature translational stop signal (p.Tyr670*) in the RYR2 gene. It is expected to result in an absent or disrupted protein product. This variant is not present in population databases (ExAC no frequency). This variant has not been reported in the literature in individuals with RYR2-related conditions. The current clinical and genetic evidence is not sufficient to establish whether loss-of-function variants in RYR2 cause disease. In summary, the available evidence is currently insufficient to determine the role of this variant in disease. Therefore, it has been classified as a Variant of Uncertain Significance.

NM_001035.3(RYR2):c.2010_2011del (p.Tyr670_Lys671delinsTer)

Gene: RYR2 (ryanodine receptor 2; plus strand). Cytogenetic location: 1q43.
Variant type: Microsatellite.
Coding change: c.2010_2011del on transcript NM_001035.3 (MANE Select); coding-DNA positions 2010 to 2011, 2 bases deleted (TA; older notation c.2010_2011delTA).
Protein change: p.Tyr670_Lys671delinsTer.
Molecular consequence: nonsense.
Genome position (GRCh38, 1-based): chr1:237,496,559-237,496,560, TA deleted; deleting any 2 consecutive bases within chr1:237,496,557-237,496,560 gives the same sequence; the c. name uses the placement nearest the transcript's 3' end. VCF-style (leftmost placement, unchanged base first): chr1-237496556-GTA-G. GRCh37 (hg19) VCF-style: chr1-237659856-GTA-G.
Identifiers: ClinVar variation 940941 (VCV000940941.9), dbSNP rs1664096446, ClinGen allele CA2487361368.